The following is an entry in ClinVar:

NM_006642.5(SDCCAG8):c.307-1G>A

Gene: SDCCAG8 (SHH signaling and ciliogenesis regulator SDCCAG8; plus strand). Cytogenetic location: 1q43.
Variant type: single nucleotide variant.
Coding change: c.307-1G>A on transcript NM_006642.5 (MANE Select); the canonical splice acceptor site of the intron before coding-DNA position 307, G replaced by A.
Molecular consequence: splice acceptor variant.
Genome position (GRCh38, 1-based): chr1:243,274,542, G>A. VCF-style: chr1-243274542-G-A. GRCh37 (hg19) VCF-style: chr1-243437844-G-A.
Other names: c.13-1G>A (NM_001350249.2); c.-1067-1G>A (NM_001350251.2); c.307-1G>A (NM_001350248.2); c.-806-1G>A (NM_001350246.2); c.-694-1G>A (NM_001350247.2).
Identifiers: ClinVar variation 649302 (VCV000649302.9), dbSNP rs1460888769, ClinGen allele CA345476808.

ClinVar aggregate classification (germline): Likely pathogenic (1 of 4 stars; one submission).

Conditions:
Senior-Loken syndrome 7 (SLSN7). Identifiers: Orphanet 3156, MedGen C3150877, MONDO:0013326, OMIM 613615.
Bardet-Biedl syndrome 16 (BBS16). Identifiers: Orphanet 110, MedGen C3889474, MONDO:0014444, OMIM 615993.

Allele frequency attached by ClinVar (database versions not stated): TOPMed below 0.00001; gnomAD exomes 0.00001 and 0.00002.
gnomAD v4.1: 10 of 1,496,764 alleles (0.00067%); highest among the groups gnomAD compares: Non-Finnish European, 0.00074%; no homozygotes.

Submission:

Labcorp Genetics (formerly Invitae), Labcorp
Classification: Likely pathogenic for Bardet-Biedl syndrome 16; Senior-Loken syndrome 7. Last evaluated: 2022-05-22. Review status: criteria provided, single submitter. Criteria: Invitae Variant Classification Sherloc (09022015). Collection method: clinical testing. Allele origin: germline.
Comment: In summary, the currently available evidence indicates that the variant is pathogenic, but additional data are needed to prove that conclusively. Therefore, this variant has been classified as Likely Pathogenic. Algorithms developed to predict the effect of sequence changes on RNA splicing suggest that this variant may disrupt the consensus splice site. ClinVar contains an entry for this variant (Variation ID: 649302). Disruption of this splice site has been observed in individual(s) with Senior-Loken syndrome (Invitae). This variant is present in population databases (no rsID available, gnomAD 0.003%). This sequence change affects an acceptor splice site in intron 3 of the SDCCAG8 gene. It is expected to disrupt RNA splicing. Variants that disrupt the donor or acceptor splice site typically lead to a loss of protein function (PMID: 16199547), and loss-of-function variants in SDCCAG8 are known to be pathogenic (PMID: 20835237, 22190896).

Literature cited by the submitters: PubMed 16199547; PubMed 20835237; PubMed 22190896.